The following is an entry in ClinVar:

ClinVar aggregate classification (germline): Uncertain significance. Review status: criteria provided, single submitter (1 of 4 stars). 3 submissions from 3 submitters: Uncertain significance (1). 2 of the submissions do not count toward it. Last evaluated 2025-12-18.

Conditions:
Asphyxiating thoracic dystrophy 3. Also called: POLYDACTYLY WITH NEONATAL CHONDRODYSTROPHY, TYPE I; SHORT-RIB THORACIC DYSPLASIA 3/6 WITH POLYDACTYLY, DIGENIC; Short rib polydactyly syndrome 2B; Saldino-Noonan Syndrome; SHORT-RIB THORACIC DYSPLASIA 3 WITH OR WITHOUT POLYDACTYLY. Identifiers: Orphanet 474, Orphanet 93269, Orphanet 93270, Orphanet 93271, MedGen C0036069, MONDO:0013127, OMIM 613091.

Submissions (3):

Women's Health and Genetics/Laboratory Corporation of America, LabCorp
Classification: Uncertain significance. Last evaluated: 2025-12-18. Review status: criteria provided, single submitter. Criteria: LabCorp Variant Classification Summary - May 2015. Collection method: clinical testing. Allele origin: germline.
Comment: Variant summary: DYNC2H1 c.6562T>C (p.Phe2188Leu) results in a non-conservative amino acid change in the encoded protein sequence. Algorithms developed to predict the effect of missense changes on protein structure and function are either unavailable or do not agree on the potential impact of this missense change. The variant was absent in 248368 control chromosomes. The available data on variant occurrences in the general population are insufficient to allow any conclusion about variant significance. c.6562T>C has been observed in the compound heterozygous state in a fetus affected with Short-rib thoracic dysplasia (Zhang_2018). These data do not allow any conclusion about variant significance. To our knowledge, no experimental evidence demonstrating an impact on protein function has been reported. The following publication has been ascertained in the context of this evaluation (PMID: 29068549). ClinVar contains an entry for this variant (Variation ID: 446618). Based on the evidence outlined above, the variant was classified as uncertain significance.

Dan Cohn Lab, University Of California Los Angeles
Classification: Pathogenic for Asphyxiating thoracic dystrophy 3. Last evaluated: 2017-06-01. Review status: no assertion criteria provided. Collection method: research. Allele origin: unknown. Affected: yes. Not counted in ClinVar's aggregate classification.

University of Washington Center for Mendelian Genomics, University of Washington
Classification: Likely pathogenic for Asphyxiating thoracic dystrophy 3. Review status: no assertion criteria provided. Collection method: research. Allele origin: inherited. Affected: yes. Not counted in ClinVar's aggregate classification.

Literature cited by the submitters: PubMed 29068549 (cited by 3 submitters).

NM_001377.3(DYNC2H1):c.6562T>C (p.Phe2188Leu)

Gene: DYNC2H1 (dynein cytoplasmic 2 heavy chain 1; plus strand). Cytogenetic location: 11q22.3.
Variant type: single nucleotide variant.
Coding change: c.6562T>C on transcript NM_001377.3 (MANE Select); coding-DNA position 6562, T replaced by C.
Protein change: p.Phe2188Leu; replaces phenylalanine 2188 with leucine.
Molecular consequence: missense variant.
Genome position (GRCh38, 1-based): chr11:103,184,980, T>C. VCF-style: chr11-103184980-T-C. GRCh37 (hg19) VCF-style: chr11-103055709-T-C.
Other names: c.6562T>C, p.Phe2188Leu (NM_001080463.2); short protein forms F2188L.
Identifiers: ClinVar variation 446618 (VCV000446618.4), dbSNP rs1555060411, ClinGen allele CA382248983.